The following is an entry in ClinVar:

NM_032383.5(HPS3):c.2269dup (p.Glu757fs)

Gene: HPS3 (HPS3 biogenesis of lysosomal organelles complex 2 subunit 1; plus strand). Cytogenetic location: 3q24.
Variant type: Duplication.
Coding change: c.2269dup on transcript NM_032383.5 (MANE Select); coding-DNA position 2269, one base duplicated (G; older notation c.2269dupG).
Protein change: p.Glu757fs; shifts the reading frame from glutamic acid 757.
Molecular consequence: frameshift variant.
Genome position (GRCh38, 1-based): chr3:149,162,310, G duplicated. VCF-style (leftmost placement, unchanged base first): chr3-149162309-T-TG. GRCh37 (hg19) VCF-style: chr3-148880096-T-TG.
Other names: c.1774dup, p.Glu592fs (NM_001308258.2); short protein forms E592fs, E757fs.
Identifiers: ClinVar variation 5016400 (VCV005016400.1).

ClinVar aggregate classification (germline): Pathogenic (1 of 4 stars; one submission).

Conditions:
Hermansky-Pudlak syndrome 3 (HPS3). Identifiers: Orphanet 231512, Orphanet 79430, MedGen C3888001, MONDO:0013555, OMIM 614072.

Submission:

Myriad Genetics, Inc.
Classification: Pathogenic for Hermansky-Pudlak syndrome 3. Last evaluated: 2024-05-14. Review status: criteria provided, single submitter. Criteria: Myriad Autosomal Dominant, Autosomal Recessive and X-Linked Classification Criteria (2023). Collection method: clinical testing. Allele origin: unknown.
Comment: NM_032383.3(HPS3):c.2269dupG(E757Gfs*8) is expected to be pathogenic in the context of Hermansky-Pudlak syndrome, HPS3-related. This variant is predicted to lead to an abnormal or absent protein product due to the creation of a premature termination codon in HPS3, a gene where loss-of-function variants are known to be pathogenic. Please note: this variant was assessed in the context of healthy population screening.